The following is an entry in ClinVar:

NM_000079.4(CHRNA1):c.-9C>T

Gene: CHRNA1 (cholinergic receptor nicotinic alpha 1 subunit; minus strand). Cytogenetic location: 2q31.1.
Variant type: single nucleotide variant.
Coding change: c.-9C>T on transcript NM_000079.4 (MANE Select); 9 bases upstream of the start codon, C replaced by T.
Molecular consequence: 5 prime UTR variant.
Genome position (GRCh38, 1-based): chr2:174,764,403, G>A on the plus strand (C>T on the coding strand, the complement: CHRNA1 is on the minus strand). VCF-style: chr2-174764403-G-A. GRCh37 (hg19) VCF-style: chr2-175629131-G-A.
Other names: c.-9C>T (NM_001039523.3).
Identifiers: ClinVar variation 3352000 (VCV003352000.1).

ClinVar aggregate classification (germline): Likely benign (0 of 4 stars; one submission).

Conditions:
CHRNA1-related disorder. Also called: CHRNA1-related condition.

gnomAD v4.1: 95 of 1,611,988 alleles (0.0059%); highest among the groups gnomAD compares: Middle Eastern, 0.017%; 1 homozygote.

Submission:

PreventionGenetics, part of Exact Sciences
Classification: Likely benign for CHRNA1-related condition. Last evaluated: 2024-06-12. Review status: no assertion criteria provided. Collection method: clinical testing. Allele origin: germline.
Comment: This variant is classified as likely benign based on ACMG/AMP sequence variant interpretation guidelines (Richards et al. 2015 PMID: 25741868, with internal and published modifications).